The following is an entry in ClinVar:

NM_001430.5(EPAS1):c.587C>T (p.Thr196Met)

Genes: EPAS1 (endothelial PAS domain protein 1; plus strand), LOC126806210 (BRD4-independent group 4 enhancer GRCh37_chr2:46587586-46588785; plus strand). Cytogenetic location: 2p21.
Variant type: single nucleotide variant.
Coding change: c.587C>T on transcript NM_001430.5 (MANE Select); coding-DNA position 587, C replaced by T.
Protein change: p.Thr196Met; replaces threonine 196 with methionine.
Molecular consequence: missense variant.
Genome position (GRCh38, 1-based): chr2:46,360,898, C>T. VCF-style: chr2-46360898-C-T. GRCh37 (hg19) VCF-style: chr2-46588037-C-T.
Other names: short protein forms T196M.
Identifiers: ClinVar variation 2456394 (VCV002456394.6), dbSNP rs780349023, ClinGen allele CA1644707.

ClinVar aggregate classification (germline): Conflicting classifications of pathogenicity. Review status: criteria provided, conflicting classifications (1 of 4 stars). 3 submissions from 3 submitters: Uncertain significance (2); Likely benign (1). Last evaluated 2025-05-05.

Conditions:
Inborn genetic diseases. Identifiers: MedGen C0950123, MeSH D030342.
Erythrocytosis, familial, 4 (ECYT4). Identifiers: Orphanet 247511, MedGen C2673187, MONDO:0012729, OMIM 611783.

gnomAD v4.1: 86 of 1,614,054 alleles (0.0053%); highest among the groups gnomAD compares: Admixed American, 0.013%; no homozygotes.

Submissions (3):

Labcorp Genetics (formerly Invitae), Labcorp
Classification: Uncertain significance. Last evaluated: 2025-05-05. Review status: criteria provided, single submitter. Criteria: Invitae Variant Classification Sherloc (09022015). Collection method: clinical testing. Allele origin: germline.
Comment: This sequence change replaces threonine, which is neutral and polar, with methionine, which is neutral and non-polar, at codon 196 of the EPAS1 protein (p.Thr196Met). This variant is present in population databases (rs780349023, gnomAD 0.01%). This variant has not been reported in the literature in individuals affected with EPAS1-related conditions. ClinVar contains an entry for this variant (Variation ID: 2456394). An algorithm developed to predict the effect of missense changes on protein structure and function (PolyPhen-2) suggests that this variant is likely to be disruptive. In summary, the available evidence is currently insufficient to determine the role of this variant in disease. Therefore, it has been classified as a Variant of Uncertain Significance.

Ambry Genetics
Classification: Likely benign for Inborn genetic diseases. Last evaluated: 2024-05-20. Review status: criteria provided, single submitter. Criteria: Ambry Variant Classification Scheme 2023. Collection method: clinical testing. Allele origin: germline.

Johns Hopkins Genomics, Johns Hopkins University
Classification: Uncertain significance for Erythrocytosis, familial, 4. Last evaluated: 2023-07-27. Review status: criteria provided, single submitter. Criteria: ACMG Guidelines, 2015. Collection method: clinical testing. Allele origin: germline.
Comment: This EPAS1 missense variant (rs780349023) is rare (<0.1%) in a large population dataset (gnomAD v2.1.1: 24/282774 total alleles; 0.0085%; no homozygotes). It has been reported in ClinVar (Variation ID 2456394), but has not been reported in the literature, to our knowledge. Two bioinformatic tools queried predict that this substitution would be damaging, but these algorithms have low specificity, especially for predicting gain of function or dominant negative variants. The threonine residue at this position is evolutionarily conserved across most of the species assessed. We consider the clinical significance of c.587C>T in EPAS1 to be uncertain at this time.

Literature cited by the submitters: PubMed 34828399 (cited by Johns Hopkins Genomics, Johns Hopkins University).